The following is an entry in ClinVar:

NM_000245.4(MET):c.1933G>A (p.Gly645Arg)

Gene: MET (MET proto-oncogene, receptor tyrosine kinase; plus strand). Cytogenetic location: 7q31.2.
Variant type: single nucleotide variant.
Coding change: c.1933G>A on transcript NM_000245.4 (MANE Select); coding-DNA position 1933, G replaced by A.
Protein change: p.Gly645Arg; replaces glycine 645 with arginine.
Molecular consequence: missense variant.
Genome position (GRCh38, 1-based): chr7:116,757,507, G>A. VCF-style: chr7-116757507-G-A. GRCh37 (hg19) VCF-style: chr7-116397561-G-A.
Other names: c.1933G>A, p.Gly645Arg (NM_001127500.3, NM_001324401.3); c.643G>A, p.Gly215Arg (NM_001324402.2); short protein forms G645R, G215R.
Identifiers: ClinVar variation 411891 (VCV000411891.46), dbSNP rs763849125, ClinGen allele CA4448325.

ClinVar aggregate classification (germline): Uncertain significance. Review status: criteria provided, multiple submitters, no conflicts (2 of 4 stars). 5 submissions from 5 submitters: Uncertain significance (5). Last evaluated 2024-11-24.

Conditions:
Osteofibrous dysplasia (OSFD). Also called: Tibia, bowing of, with pseudarthrosis and pectus excavatum. Identifiers: Orphanet 488265, MedGen C4085248, MONDO:0011806, OMIM 607278.
Hepatocellular carcinoma (HCC). Also called: Primary carcinoma of liver; HEPATOMA; LIVER CELL CARCINOMA. Identifiers: Orphanet 88673, MedGen C2239176, MONDO:0007256, OMIM 114550, HP:0001402.
Autosomal recessive nonsyndromic hearing loss 97. Also called: Deafness, autosomal recessive 97. Identifiers: Orphanet 90636, MedGen C4084709, MONDO:0014739, OMIM 616705.
Papillary renal cell carcinoma type 1 (RCCP1). Also called: RENAL CELL CARCINOMA, PAPILLARY, 1, SOMATIC; Renal adenocarcinoma; Renal cell carcinoma 1; Renal cell carcinoma, somatic. Identifiers: Orphanet 47044, MedGen C1336839, OMIM 605074, HP:0011797.
Arthrogryposis, distal, IIa 11. Also called: Arthrogryposis, distal, type 11. Identifiers: MedGen C5774205, MONDO:0031045, OMIM 620019.
Renal cell carcinoma. Identifiers: Orphanet 217071, MedGen C0007134, MeSH D002292, MONDO:0005086, HP:0005584.
Hereditary cancer-predisposing syndrome. Also called: Tumor predisposition; Hereditary Cancer Syndrome; Hereditary neoplastic syndrome; Neoplastic Syndromes, Hereditary. Identifiers: Orphanet 140162, MedGen C0027672, MeSH D009386, MONDO:0015356.

Allele frequency attached by ClinVar (database versions not stated): gnomAD below 0.00001 and 0.00001; gnomAD exomes below 0.00001 and 0.00002; ExAC 0.00001.
gnomAD v4.1: 6 of 1,613,572 alleles (0.00037%); highest among the groups gnomAD compares: East Asian, 0.0022%; no homozygotes.

Submissions (5):

Labcorp Genetics (formerly Invitae), Labcorp
Classification: Uncertain significance for Renal cell carcinoma. Last evaluated: 2024-11-24. Review status: criteria provided, single submitter. Criteria: Invitae Variant Classification Sherloc (09022015). Collection method: clinical testing. Allele origin: germline.
Comment: This sequence change replaces glycine, which is neutral and non-polar, with arginine, which is basic and polar, at codon 645 of the MET protein (p.Gly645Arg). This variant is present in population databases (rs763849125, gnomAD 0.006%). This variant has not been reported in the literature in individuals affected with MET-related conditions. ClinVar contains an entry for this variant (Variation ID: 411891). Invitae Evidence Modeling of protein sequence and biophysical properties (such as structural, functional, and spatial information, amino acid conservation, physicochemical variation, residue mobility, and thermodynamic stability) indicates that this missense variant is not expected to disrupt MET protein function with a negative predictive value of 80%. In summary, the available evidence is currently insufficient to determine the role of this variant in disease. Therefore, it has been classified as a Variant of Uncertain Significance.

Laboratorio de Genetica e Diagnostico Molecular, Hospital Israelita Albert Einstein
Classification: Uncertain significance for Arthrogryposis, distal, IIa 11. Last evaluated: 2022-09-28. Review status: criteria provided, single submitter. Criteria: ACMG Guidelines, 2015. Collection method: clinical testing. Allele origin: germline. Affected: yes.
Comment: ACMG classification criteria: PM2 moderated, BP4 supporting

Ambry Genetics
Classification: Uncertain significance for Hereditary cancer-predisposing syndrome. Last evaluated: 2022-07-21. Review status: criteria provided, single submitter. Criteria: Ambry Variant Classification Scheme 2023. Collection method: clinical testing. Allele origin: germline.
Comment: The p.G645R variant (also known as c.1933G>A), located in coding exon 6 of the MET gene, results from a G to A substitution at nucleotide position 1933. The glycine at codon 645 is replaced by arginine, an amino acid with dissimilar properties. This amino acid position is not well conserved in available vertebrate species. In addition, this alteration is predicted to be tolerated by in silico analysis. Since supporting evidence is limited at this time, the clinical significance of this alteration remains unclear.

Fulgent Genetics
Classification: Uncertain significance for Hepatocellular carcinoma; Papillary renal cell carcinoma type 1; Osteofibrous dysplasia; Autosomal recessive nonsyndromic hearing loss 97. Last evaluated: 2021-10-11. Review status: criteria provided, single submitter. Criteria: ACMG Guidelines, 2015. Collection method: clinical testing. Allele origin: unknown.

Mendelics
Classification: Uncertain significance for Renal cell carcinoma, papillary, 1. Last evaluated: 2018-07-02. Review status: criteria provided, single submitter. Criteria: Mendelics Assertion Criteria 2017. Collection method: clinical testing. Allele origin: unknown.